The following is an entry in ClinVar:

NC_000006.12:g.79060817_79060819del

Gene: PHIP (PHIP subunit of CUL4-Ring ligase complex; minus strand). Cytogenetic location: 6q14.1.
Variant type: Deletion.
Genome position: GRCh38 VCF-style: chr6-79060815-TCAC-T. GRCh37 (hg19) VCF-style: chr6-79770532-TCAC-T.
Identifiers: ClinVar variation 2673068 (VCV002673068.23), dbSNP rs2482350898, ClinGen allele CA2695198288.

ClinVar aggregate classification (germline): Uncertain significance (1 of 4 stars; one submission).

Submission:

CeGaT Center for Human Genetics Tuebingen
Classification: Uncertain significance. Last evaluated: 2024-09-01. Review status: criteria provided, single submitter. Criteria: CeGaT Center For Human Genetics Tuebingen Variant Classification Criteria Version 2. Collection method: clinical testing. Allele origin: germline. Affected: yes. Observed: 1 variant allele.
Comment: PHIP: PM2, PS2:Moderate, PM4:Supporting